The following is an entry in ClinVar:

ClinVar aggregate classification (germline): Uncertain significance (1 of 4 stars; one submission).

gnomAD v4.1: 1 of 1,613,532 alleles (0.000062%); highest among the groups gnomAD compares: Non-Finnish European, 0.000085%; no homozygotes.

Submission:

GeneDx
Classification: Uncertain significance. Last evaluated: 2026-02-19. Review status: criteria provided, single submitter. Criteria: GeneDx Variant Classification Process June 2021. Collection method: clinical testing. Allele origin: germline.
Comment: Not observed at significant frequency in large population cohorts (gnomAD); In silico analysis suggests that this missense variant does not alter protein structure/function; Has not been previously published as pathogenic or benign to our knowledge

NM_015015.3(KDM4B):c.2906G>A (p.Arg969Lys)

Gene: KDM4B (lysine demethylase 4B; plus strand). Cytogenetic location: 19p13.3.
Variant type: single nucleotide variant.
Coding change: c.2906G>A on transcript NM_015015.3 (MANE Select); coding-DNA position 2906, G replaced by A.
Protein change: p.Arg969Lys; replaces arginine 969 with lysine.
Molecular consequence: missense variant.
Genome position (GRCh38, 1-based): chr19:5,144,787, G>A. VCF-style: chr19-5144787-G-A. GRCh37 (hg19) VCF-style: chr19-5144798-G-A.
Other names: c.3008G>A, p.Arg1003Lys (NM_001411148.1); short protein forms R1003K, R969K.
Identifiers: ClinVar variation 5009832 (VCV005009832.1).
Genomic context (GRCh38, chr19:5,144,787, plus strand): 5'-GACAGCCCCCAGCGTAGTGTGGCCAGGACCTCACCTCCCACCTCTTCTCCCTGCAGAGTA[G>A]GGACTGTGTCCAGCTGGGACCCCCTTCCGAGGGGGAGCTGGTGGAGCTCCGGTGGACTGA-3'
Protein context (NP_055830.1, residues 959-979): DNLYPESITS[Arg969Lys]DCVQLGPPSE